The following is an entry in ClinVar:

NM_001382430.1(AKT1):c.37C>T (p.His13Tyr)

Gene: AKT1 (AKT serine/threonine kinase 1; minus strand). Cytogenetic location: 14q32.33.
Variant type: single nucleotide variant.
Coding change: c.37C>T on transcript NM_001382430.1 (MANE Select); coding-DNA position 37, C replaced by T.
Protein change: p.His13Tyr; replaces histidine 13 with tyrosine.
Molecular consequence: missense variant.
Genome position (GRCh38, 1-based): chr14:104,792,607, G>A on the plus strand (C>T on the coding strand, the complement: AKT1 is on the minus strand). VCF-style: chr14-104792607-G-A. GRCh37 (hg19) VCF-style: chr14-105258944-G-A.
Other names: c.37C>T, p.His13Tyr (NM_001014431.2, NM_001014432.2, NM_001382431.1 and 3 more transcripts); short protein forms H13Y.
Identifiers: ClinVar variation 1735042 (VCV001735042.2), dbSNP rs1235749501, ClinGen allele CA391223843.

ClinVar aggregate classification (germline): Uncertain significance (1 of 4 stars; one submission).

Conditions:
Inborn genetic diseases. Identifiers: MedGen C0950123, MeSH D030342.

Allele frequency attached by ClinVar (database versions not stated): TOPMed below 0.00001; gnomAD 0.00001.

Submission:

Ambry Genetics
Classification: Uncertain significance for Inborn genetic diseases. Last evaluated: 2021-06-20. Review status: criteria provided, single submitter. Criteria: Ambry Variant Classification Scheme 2023. Collection method: clinical testing. Allele origin: germline.
Comment: The p.H13Y variant (also known as c.37C>T), located in coding exon 1 of the AKT1 gene, results from a C to T substitution at nucleotide position 37. The histidine at codon 13 is replaced by tyrosine, an amino acid with similar properties. This amino acid position is conserved. In addition, the in silico prediction for this alteration is inconclusive. Since supporting evidence is limited at this time, the clinical significance of this alteration remains unclear.